The following is an entry in ClinVar:

NM_002661.5(PLCG2):c.173C>T (p.Ala58Val)

Gene: PLCG2 (phospholipase C gamma 2; plus strand). Cytogenetic location: 16q23.3.
Variant type: single nucleotide variant.
Coding change: c.173C>T on transcript NM_002661.5 (MANE Select); coding-DNA position 173, C replaced by T.
Protein change: p.Ala58Val; replaces alanine 58 with valine.
Molecular consequence: missense variant.
Genome position (GRCh38, 1-based): chr16:81,786,162, C>T. VCF-style: chr16-81786162-C-T. GRCh37 (hg19) VCF-style: chr16-81819767-C-T.
Other names: short protein forms A58V.
Identifiers: ClinVar variation 540105 (VCV000540105.8), dbSNP rs753845661, ClinGen allele CA8193052.
Genomic context (GRCh38, chr16:81,786,162, plus strand): 5'-CCGAGCGGAGAACCGTCCAGGTGATCATGGAGACGCGGCAGGTGGCCTGGAGCAAGACCG[C>T]TGACAAGATCGAGGGCTTCTGTGAGTACTCGCTGGGTGGGGCAGTGTGGCCCGTCCTCTG-3'
Protein context (NP_002652.2, residues 48-68): ETRQVAWSKT[Ala58Val]DKIEGFLDIM

ClinVar aggregate classification (germline): Uncertain significance (1 of 4 stars; one submission).

Conditions:
Familial cold autoinflammatory syndrome 3 (FCAS3). Also called: ANTIBODY DEFICIENCY AND IMMUNE DYSREGULATION, PLCG2-ASSOCIATED; FAMILIAL ATYPICAL COLD URTICARIA. Identifiers: Orphanet 300359, MedGen C3280914, MONDO:0013766, OMIM 614468.

Allele frequency attached by ClinVar (database versions not stated): gnomAD exomes below 0.00001; TOPMed below 0.00001; ExAC 0.00001.
gnomAD v4.1: 1 of 1,614,070 alleles (0.000062%); highest among the groups gnomAD compares: African/African-American, 0.0013%; no homozygotes.

Submission:

Labcorp Genetics (formerly Invitae), Labcorp
Classification: Uncertain significance for Familial cold autoinflammatory syndrome 3. Last evaluated: 2017-10-02. Review status: criteria provided, single submitter. Criteria: Invitae Variant Classification Sherloc (09022015). Collection method: clinical testing. Allele origin: germline.
Comment: This variant is present in population databases (rs753845661, ExAC 0.01%). This sequence change replaces alanine with valine at codon 58 of the PLCG2 protein (p.Ala58Val). The alanine residue is highly conserved and there is a small physicochemical difference between alanine and valine. This variant has not been reported in the literature in individuals with PLCG2-related disease. In summary, the available evidence is currently insufficient to determine the role of this variant in disease. Therefore, it has been classified as a Variant of Uncertain Significance. Algorithms developed to predict the effect of missense changes on protein structure and function (SIFT, PolyPhen-2, Align-GVGD) all suggest that this variant is likely to be tolerated, but these predictions have not been confirmed by published functional studies and their clinical significance is uncertain.